The following is an entry in ClinVar:

ClinVar aggregate classification (germline): Uncertain significance (1 of 4 stars; one submission).

gnomAD v4.1: 2 of 1,580,570 alleles (0.00013%); highest among the groups gnomAD compares: Non-Finnish European, 0.00017%; no homozygotes.

Submission:

Labcorp Genetics (formerly Invitae), Labcorp
Classification: Uncertain significance. Last evaluated: 2024-04-08. Review status: criteria provided, single submitter. Criteria: Invitae Variant Classification Sherloc (09022015). Collection method: clinical testing. Allele origin: germline.
Comment: This sequence change replaces proline, which is neutral and non-polar, with threonine, which is neutral and polar, at codon 424 of the PRDM13 protein (p.Pro424Thr). The frequency data for this variant in the population databases is considered unreliable, as metrics indicate poor data quality at this position in the gnomAD database. This variant has not been reported in the literature in individuals affected with PRDM13-related conditions. An algorithm developed to predict the effect of missense changes on protein structure and function (PolyPhen-2) suggests that this variant is likely to be tolerated. In summary, the available evidence is currently insufficient to determine the role of this variant in disease. Therefore, it has been classified as a Variant of Uncertain Significance.

NM_021620.4(PRDM13):c.1270C>A (p.Pro424Thr)

Gene: PRDM13 (PR/SET domain 13; plus strand). Cytogenetic location: 6q16.2.
Variant type: single nucleotide variant.
Coding change: c.1270C>A on transcript NM_021620.4 (MANE Select); coding-DNA position 1270, C replaced by A.
Protein change: p.Pro424Thr; replaces proline 424 with threonine.
Molecular consequence: missense variant.
Genome position (GRCh38, 1-based): chr6:99,613,905, C>A. VCF-style: chr6-99613905-C-A. GRCh37 (hg19) VCF-style: chr6-100061781-C-A.
Other names: short protein forms P424T.
Identifiers: ClinVar variation 3694439 (VCV003694439.2).